The following is an entry in ClinVar:

NM_001457.4(FLNB):c.1805G>C (p.Gly602Ala)

Gene: FLNB (filamin B; plus strand). Cytogenetic location: 3p14.3.
Variant type: single nucleotide variant.
Coding change: c.1805G>C on transcript NM_001457.4 (MANE Select); coding-DNA position 1805, G replaced by C.
Protein change: p.Gly602Ala; replaces glycine 602 with alanine.
Molecular consequence: missense variant.
Genome position (GRCh38, 1-based): chr3:58,106,737, G>C. VCF-style: chr3-58106737-G-C. GRCh37 (hg19) VCF-style: chr3-58092464-G-C.
Other names: c.1805G>C (NM_001457.3); c.1805G>C, p.Gly602Ala (NM_001164317.2, NM_001164318.2, NM_001164319.2); short protein forms G602A.
Identifiers: ClinVar variation 2880054 (VCV002880054.4), dbSNP rs2471077043, ClinGen allele CA353340442.
Genomic context (GRCh38, chr3:58,106,737, plus strand): 5'-TAGGGTTTGCCATTGAAGGCCCCTCTCAGGCAAAGATTGAGTACAACGACCAGAATGATG[G>C]ATCGTGTGATGTCAAATACTGGCCCAAGGAGCCTGGCGAATATGCTGTTCACATCATGTG-3'
Protein context (NP_001448.2, residues 592-612): AKIEYNDQND[Gly602Ala]SCDVKYWPKE

ClinVar aggregate classification (germline): Uncertain significance. Review status: criteria provided, multiple submitters, no conflicts (2 of 4 stars). 2 submissions from 2 submitters: Uncertain significance (2). Last evaluated 2025-08-20.

Conditions:
Inborn genetic diseases. Identifiers: MedGen C0950123, MeSH D030342.

Submissions (2):

Ambry Genetics
Classification: Uncertain significance for Inborn genetic diseases. Last evaluated: 2025-08-20. Review status: criteria provided, single submitter. Criteria: Ambry Variant Classification Scheme 2023. Collection method: clinical testing. Allele origin: germline.

Labcorp Genetics (formerly Invitae), Labcorp
Classification: Uncertain significance. Last evaluated: 2023-02-10. Review status: criteria provided, single submitter. Criteria: Invitae Variant Classification Sherloc (09022015). Collection method: clinical testing. Allele origin: germline.
Comment: In summary, the available evidence is currently insufficient to determine the role of this variant in disease. Therefore, it has been classified as a Variant of Uncertain Significance. Advanced modeling of protein sequence and biophysical properties (such as structural, functional, and spatial information, amino acid conservation, physicochemical variation, residue mobility, and thermodynamic stability) performed at Invitae indicates that this missense variant is not expected to disrupt FLNB protein function. This variant has not been reported in the literature in individuals affected with FLNB-related conditions. This variant is not present in population databases (gnomAD no frequency). This sequence change replaces glycine, which is neutral and non-polar, with alanine, which is neutral and non-polar, at codon 602 of the FLNB protein (p.Gly602Ala).